The following is an entry in ClinVar:

NM_001330078.2(NRXN1):c.4337T>A (p.Leu1446His)

Gene: NRXN1 (neurexin 1; minus strand). Cytogenetic location: 2p16.3.
Variant type: single nucleotide variant.
Coding change: c.4337T>A on transcript NM_001330078.2 (MANE Select); coding-DNA position 4337, T replaced by A.
Protein change: p.Leu1446His; replaces leucine 1446 with histidine.
Molecular consequence: missense variant.
Genome position (GRCh38, 1-based): chr2:49,922,131, A>T on the plus strand (T>A on the coding strand, the complement: NRXN1 is on the minus strand). VCF-style: chr2-49922131-A-T. GRCh37 (hg19) VCF-style: chr2-50149269-A-T.
Other names: c.4457T>A, p.Leu1486His (NM_001135659.3); c.242T>A, p.Leu81His (NM_001320156.4); c.233T>A, p.Leu78His (NM_001320157.4); c.4313T>A, p.Leu1438His (NM_001330077.2); c.4304T>A, p.Leu1435His (NM_001330082.2); c.4172T>A, p.Leu1391His (NM_001330083.2); c.4271T>A, p.Leu1424His (NM_001330084.2); c.4310T>A, p.Leu1437His (NM_001330085.2); and 12 more; short protein forms L1486H, L1376H, L1416H, L1437H, L1386H, L1399H, L1435H, L1443H.
Identifiers: ClinVar variation 539873 (VCV000539873.7), dbSNP rs1293864569, ClinGen allele CA346818583.

ClinVar aggregate classification (germline): Uncertain significance (1 of 4 stars; one submission).

Conditions:
Pitt-Hopkins-like syndrome 2 (PTHSL2). Identifiers: Orphanet 221150, Orphanet 600663, MedGen C3280479, MONDO:0013690, OMIM 614325.

Allele frequency attached by ClinVar (database versions not stated): gnomAD exomes below 0.00001.
gnomAD v4.1: 2 of 1,614,098 alleles (0.00012%); highest among the groups gnomAD compares: Non-Finnish European, 0.00017%; no homozygotes.

Submission:

Labcorp Genetics (formerly Invitae), Labcorp
Classification: Uncertain significance for Pitt-Hopkins-like syndrome 2. Last evaluated: 2023-08-04. Review status: criteria provided, single submitter. Criteria: Invitae Variant Classification Sherloc (09022015). Collection method: clinical testing. Allele origin: germline.
Comment: This sequence change replaces leucine, which is neutral and non-polar, with histidine, which is basic and polar, at codon 1486 of the NRXN1 protein (p.Leu1486His). This variant is present in population databases (no rsID available, gnomAD 0.0009%). This variant has not been reported in the literature in individuals affected with NRXN1-related conditions. ClinVar contains an entry for this variant (Variation ID: 539873). Advanced modeling of protein sequence and biophysical properties (such as structural, functional, and spatial information, amino acid conservation, physicochemical variation, residue mobility, and thermodynamic stability) performed at Invitae indicates that this missense variant is expected to disrupt NRXN1 protein function. In summary, the available evidence is currently insufficient to determine the role of this variant in disease. Therefore, it has been classified as a Variant of Uncertain Significance.